The following is an entry in ClinVar:

ClinVar aggregate classification (germline): Uncertain significance (1 of 4 stars; one submission).

Conditions:
MOGS-congenital disorder of glycosylation. Also called: GLUCOSIDASE I DEFICIENCY; CDG IIb; MOGS-CDG; CDG 2B. Identifiers: Orphanet 79330, MedGen C1853736, MONDO:0011629, OMIM 606056.

Allele frequency attached by ClinVar (database versions not stated): gnomAD 0.00001; TOPMed 0.00001.

Submission:

Labcorp Genetics (formerly Invitae), Labcorp
Classification: Uncertain significance for MOGS-congenital disorder of glycosylation. Last evaluated: 2021-08-27. Review status: criteria provided, single submitter. Criteria: Invitae Variant Classification Sherloc (09022015). Collection method: clinical testing. Allele origin: germline.
Comment: This sequence change replaces proline with serine at codon 311 of the MOGS protein (p.Pro311Ser). The proline residue is moderately conserved and there is a moderate physicochemical difference between proline and serine. This variant is present in population databases (rs753466617, ExAC 0.002%). This variant has not been reported in the literature in individuals affected with MOGS-related conditions. Algorithms developed to predict the effect of missense changes on protein structure and function (SIFT, PolyPhen-2, Align-GVGD) all suggest that this variant is likely to be tolerated. In summary, the available evidence is currently insufficient to determine the role of this variant in disease. Therefore, it has been classified as a Variant of Uncertain Significance.

NM_006302.3(MOGS):c.931C>T (p.Pro311Ser)

Gene: MOGS (mannosyl-oligosaccharide glucosidase; minus strand). Cytogenetic location: 2p13.1.
Variant type: single nucleotide variant.
Coding change: c.931C>T on transcript NM_006302.3 (MANE Select); coding-DNA position 931, C replaced by T.
Protein change: p.Pro311Ser; replaces proline 311 with serine.
Molecular consequence: missense variant.
Genome position (GRCh38, 1-based): chr2:74,462,858, G>A on the plus strand (C>T on the coding strand, the complement: MOGS is on the minus strand). VCF-style: chr2-74462858-G-A. GRCh37 (hg19) VCF-style: chr2-74689985-G-A.
Other names: c.613C>T, p.Pro205Ser (NM_001146158.2); short protein forms P205S, P311S.
Identifiers: ClinVar variation 1042595 (VCV001042595.6), dbSNP rs753466617, ClinGen allele CA1724877.
Genomic context (GRCh38, chr2:74,462,858, plus strand): 5'-AAATGGGAATTTTCAGGGTCACCTGCTGTATCAAGAACTGCCCCTGCCCTTGCCCACTTG[G>A]ACCTCTGTCCTCCCACTTCAGGGATCCTGGCAAGCCGAGGTAGCGTTCAGGGGGGGCCCC-3'
Protein context (NP_006293.2, residues 301-321): PGSLKWEDRG[Pro311Ser]SGQGQGQFLI